The following is an entry in ClinVar:

NM_000038.6(APC):c.5466C>T (p.Val1822=)

Gene: APC (APC regulator of Wnt signaling pathway; plus strand). Cytogenetic location: 5q22.2.
Variant type: single nucleotide variant.
Coding change: c.5466C>T on transcript NM_000038.6 (MANE Select); coding-DNA position 5466, C replaced by T.
Protein change: p.Val1822=; no amino-acid change (valine 1822 retained).
Molecular consequence: synonymous variant. On other transcripts: non-coding transcript variant (2).
Genome position (GRCh38, 1-based): chr5:112,841,060, C>T. VCF-style: chr5-112841060-C-T. GRCh37 (hg19) VCF-style: chr5-112176757-C-T.
Other names: c.5412C>T, p.Val1804= (NM_001127511.3); c.5466C>T, p.Val1822= (NM_001127510.3, NM_001354895.2, NM_001407450.1); c.5520C>T, p.Val1840= (NM_001354896.2, NM_001407447.1, NM_001407448.1 and 1 more transcripts); c.5496C>T, p.Val1832= (NM_001354897.2); c.5391C>T, p.Val1797= (NM_001354898.2); c.5382C>T, p.Val1794= (NM_001354899.2); c.5343C>T, p.Val1781= (NM_001354900.2); c.5289C>T, p.Val1763= (NM_001354901.2, NM_001407453.1); and 12 more.
Identifiers: ClinVar variation 3254437 (VCV003254437.2), dbSNP rs2149940883.
Genomic context (GRCh38, chr5:112,841,060, plus strand): 5'-GAGAGTTTTCTCAGACAACAAAGATTCAAAGAAACAGAATTTGAAAAATAATTCCAAGGT[C>T]TTCAATGATAAGCTCCCAAATAATGAAGATAGAGTCAGAGGAAGTTTTGCTTTTGATTCA-3'
Protein context (NP_000029.2, residues 1812-1832): KKQNLKNNSK[Val1822=]FNDKLPNNED

ClinVar aggregate classification (germline): Benign/Likely benign. Review status: criteria provided, multiple submitters, no conflicts (2 of 4 stars). 2 submissions from 2 submitters: Benign (1); Likely benign (1). Last evaluated 2025-03-15.

Conditions:
Hereditary cancer-predisposing syndrome. Also called: Hereditary Cancer Syndrome; Tumor predisposition; Hereditary neoplastic syndrome; Neoplastic Syndromes, Hereditary. Identifiers: Orphanet 140162, MedGen C0027672, MeSH D009386, MONDO:0015356.
Familial adenomatous polyposis 1 (FAP1). Also called: FAMILIAL ADENOMATOUS POLYPOSIS 1, ATTENUATED; POLYPOSIS, ADENOMATOUS INTESTINAL. Identifiers: MedGen C2713442, MONDO:0021056, OMIM 175100. Disease mechanism: loss of function.

gnomAD v4.1: 1 of 1,612,276 alleles (0.000062%); no homozygotes.

Submissions (2):

Ambry Genetics
Classification: Likely benign for Hereditary cancer-predisposing syndrome. Last evaluated: 2025-03-15. Review status: criteria provided, single submitter. Criteria: Ambry Variant Classification Scheme 2023. Collection method: clinical testing. Allele origin: germline.

Myriad Genetics, Inc.
Classification: Benign for Familial adenomatous polyposis 1. Last evaluated: 2024-04-02. Review status: criteria provided, single submitter. Criteria: Myriad Autosomal Dominant, Autosomal Recessive and X-Linked Classification Criteria (2023). Collection method: clinical testing. Allele origin: unknown.
Comment: This variant is considered benign. This variant is a silent/synonymous amino acid change and it is not expected to impact splicing.